The following is an entry in ClinVar:

ClinVar aggregate classification (germline): Benign/Likely benign. Review status: criteria provided, multiple submitters, no conflicts (2 of 4 stars). 3 submissions from 3 submitters: Benign (1); Likely benign (1). 1 of the submissions does not count toward it. Last evaluated 2025-07-30.

Conditions:
TAF1-related disorder. Also called: TAF1-related condition.

Allele frequency attached by ClinVar (database versions not stated): TOPMed 0.00006; gnomAD exomes 0.00007; gnomAD 0.00008; ExAC 0.00011.
gnomAD v4.1: 93 of 1,207,918 alleles (0.0077%); highest among the groups gnomAD compares: Admixed American, 0.037%; no homozygotes.

Submissions (3):

Labcorp Genetics (formerly Invitae), Labcorp
Classification: Benign. Last evaluated: 2025-07-30. Review status: criteria provided, single submitter. Criteria: Invitae Variant Classification Sherloc (09022015). Collection method: clinical testing. Allele origin: germline.

CeGaT Center for Human Genetics Tuebingen
Classification: Likely benign. Last evaluated: 2022-03-01. Review status: criteria provided, single submitter. Criteria: CeGaT Center For Human Genetics Tuebingen Variant Classification Criteria Version 2. Collection method: clinical testing. Allele origin: germline. Affected: yes. Observed: 1 variant allele.
Comment: TAF1: BP4, BP7

PreventionGenetics, part of Exact Sciences
Classification: Likely benign for TAF1-related condition. Last evaluated: 2023-06-16. Review status: no assertion criteria provided. Collection method: clinical testing. Allele origin: germline. Not counted in ClinVar's aggregate classification.
Comment: This variant is classified as likely benign based on ACMG/AMP sequence variant interpretation guidelines (Richards et al. 2015 PMID: 25741868, with internal and published modifications).

NM_004606.5(TAF1):c.4812A>G (p.Thr1604=)

Gene: TAF1 (TATA-box binding protein associated factor 1; plus strand). Cytogenetic location: Xq13.1.
Variant type: single nucleotide variant.
Coding change: c.4812A>G on transcript NM_004606.5 (MANE Select); coding-DNA position 4812, A replaced by G.
Protein change: p.Thr1604=; no amino-acid change (threonine 1604 retained).
Molecular consequence: synonymous variant. On other transcripts: non-coding transcript variant (9).
Genome position (GRCh38, 1-based): chrX:71,454,228, A>G. VCF-style: chrX-71454228-A-G. GRCh37 (hg19) VCF-style: chrX-70674078-A-G.
Other names: c.4812A>G, p.Thr1604= (NM_001286074.2); c.4749A>G, p.Thr1583= (NM_138923.4); c.4872A>G (NM_001286074.1).
Identifiers: ClinVar variation 2660882 (VCV002660882.28), dbSNP rs200312244, ClinGen allele CA10447254.
Genomic context (GRCh38, chrX:71,454,228, plus strand): 5'-AGGACCTGAGAGTCAGTATACTAAGACTGCCCAGGAGATTGTGAACGTCTGTTACCAGAC[A>G]TTGACTGAGGTAGGTGGTAAAGATGGAGGTCCTAAGCCTGGGCAACATAAGGAGACCCCA-3'
Protein context (NP_004597.3, residues 1594-1614): AQEIVNVCYQ[Thr1604=]LTEYDEHLTQ